The following is an entry in ClinVar:

NM_001243279.3(ACSF3):c.968A>G (p.Glu323Gly)

Gene: ACSF3 (acyl-CoA synthetase family member 3; plus strand). Cytogenetic location: 16q24.3.
Variant type: single nucleotide variant.
Coding change: c.968A>G on transcript NM_001243279.3 (MANE Select); coding-DNA position 968, A replaced by G.
Protein change: p.Glu323Gly; replaces glutamic acid 323 with glycine.
Molecular consequence: missense variant. On other transcripts: non-coding transcript variant (3).
Genome position (GRCh38, 1-based): chr16:89,112,237, A>G. VCF-style: chr16-89112237-A-G. GRCh37 (hg19) VCF-style: chr16-89178645-A-G.
Other names: c.968A>G, p.Glu323Gly (NM_001127214.4, NM_174917.5); c.173A>G, p.Glu58Gly (NM_001284316.2); short protein forms E323G, E58G.
Identifiers: ClinVar variation 4737180 (VCV004737180.1).
Genomic context (GRCh38, chr16:89,112,237, plus strand): 5'-ACTACGACAGGCATTTTACCCAGCCGCACGCCCAGGATTTCTTGCGTGCAGTTTGTGAAG[A>G]AAAAATTAGGTAAGTGAAAAGAGCCCACTTTCTCGTTCAGAAAGTCTTAAAGATCAACAG-3'
Protein context (NP_001230208.1, residues 313-333): AQDFLRAVCE[Glu323Gly]KIRLMVSGSA

ClinVar aggregate classification (germline): Uncertain significance (1 of 4 stars; one submission).

Conditions:
Combined malonic and methylmalonic acidemia. Identifiers: Orphanet 289504, MedGen C3280314, MONDO:0013661, OMIM 614265.

gnomAD v4.1: 2 of 1,614,086 alleles (0.00012%); highest among the groups gnomAD compares: East Asian, 0.0045%; no homozygotes.

Submission:

Labcorp Genetics (formerly Invitae), Labcorp
Classification: Uncertain significance for Combined malonic and methylmalonic acidemia. Last evaluated: 2025-05-13. Review status: criteria provided, single submitter. Criteria: Invitae Variant Classification Sherloc (09022015). Collection method: clinical testing. Allele origin: germline.
Comment: This sequence change replaces glutamic acid, which is acidic and polar, with glycine, which is neutral and non-polar, at codon 323 of the ACSF3 protein (p.Glu323Gly). This variant is present in population databases (rs763905646, gnomAD 0.006%). This variant has not been reported in the literature in individuals affected with ACSF3-related conditions. Invitae Evidence Modeling of protein sequence and biophysical properties (such as structural, functional, and spatial information, amino acid conservation, physicochemical variation, residue mobility, and thermodynamic stability) has been performed for this missense variant. However, the output from this modeling did not meet the statistical confidence thresholds required to predict the impact of this variant on ACSF3 protein function. In summary, the available evidence is currently insufficient to determine the role of this variant in disease. Therefore, it has been classified as a Variant of Uncertain Significance.